The following is an entry in ClinVar:

NM_001330260.2(SCN8A):c.2846G>A (p.Gly949Asp)

Gene: SCN8A (sodium voltage-gated channel alpha subunit 8; plus strand). Cytogenetic location: 12q13.13.
Variant type: single nucleotide variant.
Coding change: c.2846G>A on transcript NM_001330260.2 (MANE Select); coding-DNA position 2846, G replaced by A.
Protein change: p.Gly949Asp; replaces glycine 949 with aspartic acid.
Molecular consequence: missense variant.
Genome position (GRCh38, 1-based): chr12:51,765,972, G>A. VCF-style: chr12-51765972-G-A. GRCh37 (hg19) VCF-style: chr12-52159756-G-A.
Other names: c.2846G>A, p.Gly949Asp (NM_001177984.3, NM_001369788.1, NM_014191.4); short protein forms G949D.
Identifiers: ClinVar variation 3635193 (VCV003635193.2).

ClinVar aggregate classification (germline): Uncertain significance (1 of 4 stars; one submission).

Conditions:
Early-infantile DEE. Also called: Early infantile epileptic encephalopathy; Ohtahara syndrome; Early infantile epileptic encephalopathy with suppression bursts. Identifiers: Orphanet 1934, MedGen C0393706, MONDO:0800491.

gnomAD v4.1: 2 of 1,614,100 alleles (0.00012%); highest among the groups gnomAD compares: Non-Finnish European, 0.00017%; no homozygotes.

Submission:

Labcorp Genetics (formerly Invitae), Labcorp
Classification: Uncertain significance for Early-infantile DEE. Last evaluated: 2024-10-29. Review status: criteria provided, single submitter. Criteria: Invitae Variant Classification Sherloc (09022015). Collection method: clinical testing. Allele origin: germline.
Comment: This sequence change replaces glycine, which is neutral and non-polar, with aspartic acid, which is acidic and polar, at codon 949 of the SCN8A protein (p.Gly949Asp). This variant is not present in population databases (gnomAD no frequency). This variant has not been reported in the literature in individuals affected with SCN8A-related conditions. Invitae Evidence Modeling of protein sequence and biophysical properties (such as structural, functional, and spatial information, amino acid conservation, physicochemical variation, residue mobility, and thermodynamic stability) indicates that this missense variant is expected to disrupt SCN8A protein function with a positive predictive value of 95%. In summary, the available evidence is currently insufficient to determine the role of this variant in disease. Therefore, it has been classified as a Variant of Uncertain Significance.